The following is an entry in ClinVar:

NM_024782.3(NHEJ1):c.177+1G>A

Gene: NHEJ1 (non-homologous end joining factor 1; minus strand). Cytogenetic location: 2q35.
Variant type: single nucleotide variant.
Coding change: c.177+1G>A on transcript NM_024782.3 (MANE Select); the canonical splice donor site of the intron after coding-DNA position 177, G replaced by A.
Molecular consequence: splice donor variant.
Genome position (GRCh38, 1-based): chr2:219,158,185, C>T on the plus strand (G>A on the coding strand, the complement: NHEJ1 is on the minus strand). VCF-style: chr2-219158185-C-T. GRCh37 (hg19) VCF-style: chr2-220022907-C-T.
Other names: c.177+1G>A (NM_001377499.1, NM_001377498.1).
Identifiers: ClinVar variation 2053597 (VCV002053597.4), dbSNP rs2106369643, ClinGen allele CA350633683.

ClinVar aggregate classification (germline): Likely pathogenic (1 of 4 stars; one submission).

Conditions:
Cernunnos-XLF deficiency (IMD124). Also called: SCID, AUTOSOMAL RECESSIVE, T CELL-NEGATIVE, B CELL-NEGATIVE, NK CELL-POSITIVE, WITH MICROCEPHALY, GROWTH RETARDATION, AND SENSITIVITY TO IONIZING RADIATION; Severe combined immunodeficiency with sensitivity to ionizing radiation due to NHEJ1 deficiency; SCID, autosomal recessive, T cell-negative, B cell-negative, NK cell-positive, and sensitivity to ionizing radiation due to NHEJ1 deficiency; IMMUNODEFICIENCY 124, SEVERE COMBINED; NHEJ1 SYNDROME. Identifiers: Orphanet 169079, MedGen C1969799, MONDO:0012650, OMIM 611291.

Allele frequency attached by ClinVar (database versions not stated): gnomAD exomes below 0.00001.
gnomAD v4.1: 2 of 1,614,156 alleles (0.00012%); highest among the groups gnomAD compares: Non-Finnish European, 0.00017%; no homozygotes.

Submission:

Labcorp Genetics (formerly Invitae), Labcorp
Classification: Likely pathogenic for Cernunnos-XLF deficiency. Last evaluated: 2021-12-22. Review status: criteria provided, single submitter. Criteria: Invitae Variant Classification Sherloc (09022015). Collection method: clinical testing. Allele origin: germline.
Comment: In summary, the currently available evidence indicates that the variant is pathogenic, but additional data are needed to prove that conclusively. Therefore, this variant has been classified as Likely Pathogenic. Algorithms developed to predict the effect of sequence changes on RNA splicing suggest that this variant may disrupt the consensus splice site. This variant has not been reported in the literature in individuals affected with NHEJ1-related conditions. This variant is not present in population databases (gnomAD no frequency). This sequence change affects a donor splice site in intron 2 of the NHEJ1 gene. It is expected to disrupt RNA splicing. Variants that disrupt the donor or acceptor splice site typically lead to a loss of protein function (PMID: 16199547), and loss-of-function variants in NHEJ1 are known to be pathogenic (PMID: 16439204, 20597108).

Literature cited by the submitters: PubMed 16199547; PubMed 16439204; PubMed 20597108.